The following is an entry in ClinVar:

NM_005401.5(PTPN14):c.1067-4G>A

Gene: PTPN14 (protein tyrosine phosphatase non-receptor type 14; minus strand). Cytogenetic location: 1q32.3.
Variant type: single nucleotide variant.
Coding change: c.1067-4G>A on transcript NM_005401.5 (MANE Select); 4 bases into the intron before coding-DNA position 1067, G replaced by A.
Molecular consequence: intron variant.
Genome position (GRCh38, 1-based): chr1:214,384,792, C>T on the plus strand (G>A on the coding strand, the complement: PTPN14 is on the minus strand). VCF-style: chr1-214384792-C-T. GRCh37 (hg19) VCF-style: chr1-214558135-C-T.
Identifiers: ClinVar variation 3034148 (VCV003034148.2), dbSNP rs780387119, ClinGen allele CA1389174.
Genomic context (GRCh38, chr1:214,384,792, plus strand): 5'-CCAGGCTGTTGTGAGAGTTGCAATACAAGGCTTCTTCATTCCCATGAAAAATGCTGTCTA[C>T]AAGAAGTCAAACAAAGGCACGTGAACCTCCAAGCCATCCTGCCACAACAAAGTACATCCT-3'

ClinVar aggregate classification (germline): Likely benign (0 of 4 stars; one submission).

Conditions:
PTPN14-related disorder. Also called: PTPN14-related condition.

Allele frequency attached by ClinVar (database versions not stated): gnomAD 0.00005; gnomAD exomes 0.00007; TOPMed 0.00014; ExAC 0.00025.
gnomAD v4.1: 103 of 1,604,564 alleles (0.0064%); highest among the groups gnomAD compares: Admixed American, 0.15%; no homozygotes.

Submission:

PreventionGenetics, part of Exact Sciences
Classification: Likely benign for PTPN14-related condition. Last evaluated: 2019-06-13. Review status: no assertion criteria provided. Collection method: clinical testing. Allele origin: germline.
Comment: This variant is classified as likely benign based on ACMG/AMP sequence variant interpretation guidelines (Richards et al. 2015 PMID: 25741868, with internal and published modifications).